The following is an entry in ClinVar:

ClinVar aggregate classification (germline): Uncertain significance. Review status: criteria provided, multiple submitters, no conflicts (2 of 4 stars). 3 submissions from 3 submitters: Uncertain significance (3). Last evaluated 2024-12-02.

Conditions:
Hereditary cancer-predisposing syndrome. Also called: Hereditary Cancer Syndrome; Neoplastic Syndromes, Hereditary; Tumor predisposition; Hereditary neoplastic syndrome. Identifiers: Orphanet 140162, MedGen C0027672, MeSH D009386, MONDO:0015356.
Familial cancer of breast. Also called: Hereditary breast cancer; BREAST CANCER, FAMILIAL; hereditary breast carcinoma. Identifiers: Orphanet 227535, MedGen C0346153, MONDO:0016419, OMIM 114480. Disease mechanism: loss of function.

gnomAD v4.1: 4 of 1,613,908 alleles (0.00025%); highest among the groups gnomAD compares: Non-Finnish European, 0.00025%; no homozygotes.

Submissions (3):

Labcorp Genetics (formerly Invitae), Labcorp
Classification: Uncertain significance for Familial cancer of breast. Last evaluated: 2024-12-02. Review status: criteria provided, single submitter. Criteria: Invitae Variant Classification Sherloc (09022015). Collection method: clinical testing. Allele origin: germline.
Comment: This sequence change replaces glycine, which is neutral and non-polar, with valine, which is neutral and non-polar, at codon 102 of the CHEK2 protein (p.Gly102Val). This variant is not present in population databases (gnomAD no frequency). This missense change has been observed in individual(s) with colorectal cancer (PMID: 28135145). ClinVar contains an entry for this variant (Variation ID: 489882). An algorithm developed to predict the effect of missense changes on protein structure and function (PolyPhen-2) suggests that this variant is likely to be disruptive. In summary, the available evidence is currently insufficient to determine the role of this variant in disease. Therefore, it has been classified as a Variant of Uncertain Significance.

Ambry Genetics
Classification: Uncertain significance for Hereditary cancer-predisposing syndrome. Last evaluated: 2024-04-15. Review status: criteria provided, single submitter. Criteria: Ambry Variant Classification Scheme 2023. Collection method: clinical testing. Allele origin: germline.
Comment: The p.G102V variant (also known as c.305G>T), located in coding exon 1 of the CHEK2 gene, results from a G to T substitution at nucleotide position 305. The glycine at codon 102 is replaced by valine, an amino acid with dissimilar properties. This amino acid position is highly conserved in available vertebrate species. In addition, this alteration is predicted to be deleterious by in silico analysis. Based on the available evidence, the clinical significance of this variant remains unclear.

Color Diagnostics, LLC DBA Color Health
Classification: Uncertain significance for Hereditary cancer-predisposing syndrome. Last evaluated: 2021-02-23. Review status: criteria provided, single submitter. Criteria: ACMG Guidelines, 2015. Collection method: clinical testing. Allele origin: germline.
Comment: This missense variant replaces glycine with valine at codon 102 of the CHEK2 protein. Computational prediction is inconclusive regarding the impact of this variant on protein structure and function (internally defined REVEL score threshold 0.5 < inconclusive < 0.7, PMID: 27666373). To our knowledge, functional studies have not been reported for this variant. This variant has been reported in an individual affected with colorectal cancer (PMID: 28135145). This variant has not been identified in the general population by the Genome Aggregation Database (gnomAD). The available evidence is insufficient to determine the role of this variant in disease conclusively. Therefore, this variant is classified as a Variant of Uncertain Significance.

Literature cited by the submitters: PubMed 28135145 (cited by Labcorp Genetics (formerly Invitae), Labcorp).

NM_007194.4(CHEK2):c.305G>T (p.Gly102Val)

Gene: CHEK2 (checkpoint kinase 2; minus strand). Cytogenetic location: 22q12.1.
Variant type: single nucleotide variant.
Coding change: c.305G>T on transcript NM_007194.4 (MANE Select); coding-DNA position 305, G replaced by T.
Protein change: p.Gly102Val; replaces glycine 102 with valine.
Molecular consequence: missense variant.
Genome position (GRCh38, 1-based): chr22:28,734,417, C>A on the plus strand (G>T on the coding strand, the complement: CHEK2 is on the minus strand). VCF-style: chr22-28734417-C-A. GRCh37 (hg19) VCF-style: chr22-29130405-C-A.
Other names: c.305G>T, p.Gly102Val (NM_001005735.3, NM_001349956.3, NM_145862.3); c.-473G>T (NM_001257387.3); short protein forms G102V.
Identifiers: ClinVar variation 489882 (VCV000489882.18), dbSNP rs1555932082, ClinGen allele CA411090235.